The following is an entry in ClinVar:

ClinVar aggregate classification (germline): Uncertain significance. Review status: criteria provided, multiple submitters, no conflicts (2 of 4 stars). 2 submissions from 2 submitters: Uncertain significance (2). Last evaluated 2025-01-08.

Conditions:
Inborn genetic diseases. Identifiers: MedGen C0950123, MeSH D030342.
Charcot-Marie-Tooth disease type 4. Also called: Charcot-Marie-Tooth disease, type IV; Charcot-Marie-Tooth, Type 4. Identifiers: Orphanet 64749, MedGen C4082197, MONDO:0018995.

Allele frequency attached by ClinVar (database versions not stated): TOPMed below 0.00001; gnomAD exomes below 0.00001.
gnomAD v4.1: 1 of 1,613,748 alleles (0.000062%); no homozygotes.

Submissions (2):

Ambry Genetics
Classification: Uncertain significance for Inborn genetic diseases. Last evaluated: 2025-01-08. Review status: criteria provided, single submitter. Criteria: Ambry Variant Classification Scheme 2023. Collection method: clinical testing. Allele origin: germline.

Labcorp Genetics (formerly Invitae), Labcorp
Classification: Uncertain significance for Charcot-Marie-Tooth disease type 4. Last evaluated: 2021-08-31. Review status: criteria provided, single submitter. Criteria: Invitae Variant Classification Sherloc (09022015). Collection method: clinical testing. Allele origin: germline.
Comment: This sequence change replaces leucine with isoleucine at codon 1238 of the SBF2 protein (p.Leu1238Ile). The leucine residue is moderately conserved and there is a small physicochemical difference between leucine and isoleucine. This variant is not present in population databases (ExAC no frequency). This variant has not been reported in the literature in individuals affected with SBF2-related conditions. Algorithms developed to predict the effect of missense changes on protein structure and function output the following: SIFT: "Tolerated"; PolyPhen-2: "Benign"; Align-GVGD: "Class C0". The isoleucine amino acid residue is found in multiple mammalian species, which suggests that this missense change does not adversely affect protein function. In summary, the available evidence is currently insufficient to determine the role of this variant in disease. Therefore, it has been classified as a Variant of Uncertain Significance.

NM_030962.4(SBF2):c.3712T>A (p.Leu1238Ile)

Gene: SBF2 (SET binding factor 2; minus strand). Cytogenetic location: 11p15.4.
Variant type: single nucleotide variant.
Coding change: c.3712T>A on transcript NM_030962.4 (MANE Select); coding-DNA position 3712, T replaced by A.
Protein change: p.Leu1238Ile; replaces leucine 1238 with isoleucine.
Molecular consequence: missense variant.
Genome position (GRCh38, 1-based): chr11:9,829,437, A>T on the plus strand (T>A on the coding strand, the complement: SBF2 is on the minus strand). VCF-style: chr11-9829437-A-T. GRCh37 (hg19) VCF-style: chr11-9850984-A-T.
Other names: c.3712T>A, p.Leu1238Ile (NM_001386339.1); c.3583T>A, p.Leu1195Ile (NM_001386342.1); short protein forms L1238I, L1195I.
Identifiers: ClinVar variation 577743 (VCV000577743.7), dbSNP rs1564890006, ClinGen allele CA379645314.
Genomic context (GRCh38, chr11:9,829,437, plus strand): 5'-GCCTGACAGTAAGAGTGCTGTTGCCTCTGAGTTTCTGATGGACAGAAACAGCATTCAGTA[A>T]GGCTTGCAAGTATTTCTCTTGTTCTATGCTACTGGAAGATTCTAAAGAGGAGGTAGGAGC-3'
Protein context (NP_112224.1, residues 1228-1248): SIEQEKYLQA[Leu1238Ile]LNAVSVHQKL